The following is an entry in ClinVar:

ClinVar aggregate classification (germline): Uncertain significance. Review status: criteria provided, multiple submitters, no conflicts (2 of 4 stars). 2 submissions from 2 submitters: Uncertain significance (2). Last evaluated 2025-12-03.

Conditions:
Mitochondrial complex II deficiency, nuclear type 1. Also called: SUCCINATE CoQ REDUCTASE DEFICIENCY. Identifiers: Orphanet 3208, MedGen C5700310, MONDO:0100294, OMIM 252011.
Pheochromocytoma/paraganglioma syndrome 5. Also called: Paragangliomas 5; SDHA-Related Hereditary Paraganglioma-Pheochromocytoma Syndrome. Identifiers: Orphanet 29072, MedGen C3279992, MONDO:0013602, OMIM 614165.
Hereditary cancer-predisposing syndrome. Also called: Neoplastic Syndromes, Hereditary; Tumor predisposition; Hereditary neoplastic syndrome; Hereditary Cancer Syndrome. Identifiers: Orphanet 140162, MedGen C0027672, MeSH D009386, MONDO:0015356.

Allele frequency attached by ClinVar (database versions not stated): gnomAD exomes 0.00001; ExAC 0.00001.
gnomAD v4.1: 10 of 1,614,052 alleles (0.00062%); highest among the groups gnomAD compares: Non-Finnish European, 0.00085%; no homozygotes.

Submissions (2):

Labcorp Genetics (formerly Invitae), Labcorp
Classification: Uncertain significance for Pheochromocytoma/paraganglioma syndrome 5; Mitochondrial complex II deficiency, nuclear type 1. Last evaluated: 2025-12-03. Review status: criteria provided, single submitter. Criteria: Invitae Variant Classification Sherloc (09022015). Collection method: clinical testing. Allele origin: germline.
Comment: This sequence change replaces valine, which is neutral and non-polar, with alanine, which is neutral and non-polar, at codon 461 of the SDHA protein (p.Val461Ala). This variant is present in population databases (rs767452676, gnomAD 0.002%). This variant has not been reported in the literature in individuals affected with SDHA-related conditions. ClinVar contains an entry for this variant (Variation ID: 539656). Invitae Evidence Modeling of protein sequence and biophysical properties (such as structural, functional, and spatial information, amino acid conservation, physicochemical variation, residue mobility, and thermodynamic stability) indicates that this missense variant is not expected to disrupt SDHA protein function with a negative predictive value of 95%. In summary, the available evidence is currently insufficient to determine the role of this variant in disease. Therefore, it has been classified as a Variant of Uncertain Significance.

Ambry Genetics
Classification: Uncertain significance for Hereditary cancer-predisposing syndrome. Last evaluated: 2024-08-31. Review status: criteria provided, single submitter. Criteria: Ambry Variant Classification Scheme 2023. Collection method: clinical testing. Allele origin: germline.
Comment: The p.V461A variant (also known as c.1382T>C), located in coding exon 10 of the SDHA gene, results from a T to C substitution at nucleotide position 1382. The valine at codon 461 is replaced by alanine, an amino acid with similar properties. This amino acid position is highly conserved in available vertebrate species. In addition, the in silico prediction for this alteration is inconclusive. Since supporting evidence is limited at this time, the clinical significance of this alteration remains unclear.

NM_004168.4(SDHA):c.1382T>C (p.Val461Ala)

Gene: SDHA (succinate dehydrogenase complex flavoprotein subunit A; plus strand). Cytogenetic location: 5p15.33.
Variant type: single nucleotide variant.
Coding change: c.1382T>C on transcript NM_004168.4 (MANE Select); coding-DNA position 1382, T replaced by C.
Protein change: p.Val461Ala; replaces valine 461 with alanine.
Molecular consequence: missense variant.
Genome position (GRCh38, 1-based): chr5:236,549, T>C. VCF-style: chr5-236549-T-C. GRCh37 (hg19) VCF-style: chr5-236664-T-C.
Other names: c.1238T>C, p.Val413Ala (NM_001294332.2); c.1382T>C, p.Val461Ala (NM_001330758.2); short protein forms V461A, V413A.
Identifiers: ClinVar variation 539656 (VCV000539656.12), dbSNP rs767452676, ClinGen allele CA3173211.
Genomic context (GRCh38, chr5:236,549, plus strand): 5'-CCGCCTGTGCCTCGGTACATGGTGCCAACCGCCTCGGGGCAAACTCGCTCTTGGACCTGG[T>C]TGTCTTTGGTCGGGCATGTGCCCTGAGCATCGAAGAGTCATGCAGGCCTGGTAAGTGTTT-3'
Protein context (NP_004159.2, residues 451-471): RLGANSLLDL[Val461Ala]VFGRACALSI